The following is an entry in ClinVar:

NM_201384.3(PLEC):c.1577_1585del (p.Gln526_Leu528del)

Gene: PLEC (plectin; minus strand). Cytogenetic location: 8q24.3.
Variant type: Deletion.
Coding change: c.1577_1585del on transcript NM_201384.3 (MANE Select); coding-DNA positions 1577 to 1585, 9 bases deleted (AGGACCTGC; older notation c.1577_1585delAGGACCTGC).
Protein change: p.Gln526_Leu528del.
Molecular consequence: inframe deletion.
Genome position (GRCh38, 1-based): chr8:143,932,945-143,932,953, GCAGGTCCT deleted on the plus strand (AGGACCTGC on the coding strand, the reverse complement: PLEC is on the minus strand); deleting any 9 consecutive bases within chr8:143,932,945-143,932,959 gives the same sequence; the c. name uses the placement nearest the transcript's 3' end. VCF-style (leftmost placement, unchanged base first): chr8-143932944-AGCAGGTCCT-A. GRCh37 (hg19) VCF-style: chr8-145007112-AGCAGGTCCT-A.
Other names: c.1658_1666del, p.Gln553_Leu555del (NM_000445.5, NM_001410941.1); c.1535_1543del, p.Gln512_Leu514del (NM_201378.4); c.1511_1519del, p.Gln504_Leu506del (NM_201379.3); c.1988_1996del, p.Gln663_Leu665del (NM_201380.4); c.1481_1489del, p.Gln494_Leu496del (NM_201381.3); c.1577_1585del, p.Gln526_Leu528del (NM_201382.4); c.1589_1597del, p.Gln530_Leu532del (NM_201383.3).
Identifiers: ClinVar variation 3763365 (VCV003763365.2).
Genomic context (GRCh38, chr8:143,932,944, plus strand): 5'-GGCAGGTCCACACCCCACTCAGCGCCATCCACACGGTGCTGGTTCTCCTCCACCCAGGCC[AGCAGGTCCT>A]GCAGGTAGCGCAGAGTGGAGTCCTCCAGCTCGGGGCGCCTCTGCACACTCTGCAGAGTCA-3'

ClinVar aggregate classification (germline): Uncertain significance (1 of 4 stars; one submission).

Conditions:
Epidermolysis bullosa simplex with nail dystrophy (EBS5D). Identifiers: MedGen C4225309, MONDO:0014661, OMIM 616487.
Epidermolysis bullosa simplex, Ogna type (EBS5A). Also called: EPIDERMOLYSIS BULLOSA SIMPLEX 5A, OGNA TYPE; Pidermolysis bullosa simplex 5A, Ogna type. Identifiers: Orphanet 79401, MedGen C0432317, MONDO:0007555, OMIM 131950.
Autosomal recessive limb-girdle muscular dystrophy type 2Q (LGMDR17). Also called: MUSCULAR DYSTROPHY, LIMB-GIRDLE, AUTOSOMAL RECESSIVE 17. Identifiers: Orphanet 254361, MedGen C3150989, MONDO:0013390, OMIM 613723.
Epidermolysis bullosa simplex 5B, with muscular dystrophy (EBS5B). Also called: EPIDERMOLYSIS BULLOSA SIMPLEX AND LIMB-GIRDLE MUSCULAR DYSTROPHY; Epidermolysis bullosa simplex with muscular dystrophy. Identifiers: Orphanet 257, MedGen C2931072, MONDO:0009181, OMIM 226670.
Epidermolysis bullosa simplex 5C, with pyloric atresia (EBS5C). Also called: PLEC1-Related Epidermolysis Bullosa with Pyloric Atresia; PLEC-Related Epidermolysis Bullosa with Pyloric Atresia; Epidermolysis bullosa simplex with pyloric atresia. Identifiers: Orphanet 158684, MedGen C2677349, MONDO:0012807, OMIM 612138.

Submission:

Labcorp Genetics (formerly Invitae), Labcorp
Classification: Uncertain significance for Autosomal recessive limb-girdle muscular dystrophy type 2Q; Epidermolysis bullosa simplex, Ogna type; Epidermolysis bullosa simplex with nail dystrophy; Epidermolysis bullosa simplex 5C, with pyloric atresia; Epidermolysis bullosa simplex 5B, with muscular dystrophy. Last evaluated: 2024-08-04. Review status: criteria provided, single submitter. Criteria: Invitae Variant Classification Sherloc (09022015). Collection method: clinical testing. Allele origin: germline.
Comment: This variant, c.1658_1666del, results in the deletion of 3 amino acid(s) of the PLEC protein (p.Gln553_Leu555del), but otherwise preserves the integrity of the reading frame. This variant is not present in population databases (gnomAD no frequency). This variant has not been reported in the literature in individuals affected with PLEC-related conditions. Experimental studies and prediction algorithms are not available or were not evaluated, and the functional significance of this variant is currently unknown. In summary, the available evidence is currently insufficient to determine the role of this variant in disease. Therefore, it has been classified as a Variant of Uncertain Significance.